The following is an entry in ClinVar:

ClinVar aggregate classification (germline): Uncertain significance. Review status: criteria provided, multiple submitters, no conflicts (2 of 4 stars). 3 submissions from 3 submitters: Uncertain significance (3). Last evaluated 2025-08-09.

Conditions:
Inborn genetic diseases. Identifiers: MedGen C0950123, MeSH D030342.

Allele frequency attached by ClinVar (database versions not stated): gnomAD 0.00008; ExAC 0.00009; gnomAD exomes 0.00009; TOPMed 0.00010; 1000 Genomes Project 30x 0.00016; 1000 Genomes Project 0.00020.
gnomAD v4.1: 136 of 1,614,174 alleles (0.0084%); highest among the groups gnomAD compares: Non-Finnish European, 0.0094%; no homozygotes.

Submissions (3):

Ambry Genetics
Classification: Uncertain significance for Inborn genetic diseases. Last evaluated: 2025-08-09. Review status: criteria provided, single submitter. Criteria: Ambry Variant Classification Scheme 2023. Collection method: clinical testing. Allele origin: germline.

Blueprint Genetics
Classification: Uncertain significance. Last evaluated: 2022-09-08. Review status: criteria provided, single submitter. Criteria: ACMG Guidelines, 2015. Collection method: clinical testing. Allele origin: germline.

Labcorp Genetics (formerly Invitae), Labcorp
Classification: Uncertain significance. Last evaluated: 2022-08-08. Review status: criteria provided, single submitter. Criteria: Invitae Variant Classification Sherloc (09022015). Collection method: clinical testing. Allele origin: germline.
Comment: This sequence change replaces proline, which is neutral and non-polar, with leucine, which is neutral and non-polar, at codon 49 of the MERTK protein (p.Pro49Leu). This variant is present in population databases (rs567766808, gnomAD 0.04%). This variant has not been reported in the literature in individuals affected with MERTK-related conditions. ClinVar contains an entry for this variant (Variation ID: 941700). Algorithms developed to predict the effect of missense changes on protein structure and function are either unavailable or do not agree on the potential impact of this missense change (SIFT: "Deleterious"; PolyPhen-2: "Possibly Damaging"; Align-GVGD: "Class C0"). In summary, the available evidence is currently insufficient to determine the role of this variant in disease. Therefore, it has been classified as a Variant of Uncertain Significance.

NM_006343.3(MERTK):c.146C>T (p.Pro49Leu)

Gene: MERTK (MER proto-oncogene, tyrosine kinase; plus strand). Cytogenetic location: 2q13.
Variant type: single nucleotide variant.
Coding change: c.146C>T on transcript NM_006343.3 (MANE Select); coding-DNA position 146, C replaced by T.
Protein change: p.Pro49Leu; replaces proline 49 with leucine.
Molecular consequence: missense variant.
Genome position (GRCh38, 1-based): chr2:111,929,204, C>T. VCF-style: chr2-111929204-C-T. GRCh37 (hg19) VCF-style: chr2-112686781-C-T.
Other names: short protein forms P49L.
Identifiers: ClinVar variation 941700 (VCV000941700.8), dbSNP rs567766808, ClinGen allele CA1830987.